The following is an entry in ClinVar:

NM_001367823.1(ARHGEF18):c.2827C>T (p.Arg943Ter)

Gene: ARHGEF18 (Rho/Rac guanine nucleotide exchange factor 18; plus strand). Cytogenetic location: 19p13.2.
Variant type: single nucleotide variant.
Coding change: c.2827C>T on transcript NM_001367823.1 (MANE Select); coding-DNA position 2827, C replaced by T.
Protein change: p.Arg943Ter; replaces arginine 943 with a stop codon.
Molecular consequence: nonsense.
Genome position (GRCh38, 1-based): chr19:7,464,613, C>T. VCF-style: chr19-7464613-C-T. GRCh37 (hg19) VCF-style: chr19-7529499-C-T.
Other names: c.2101C>T, p.Arg701Ter (NM_001130955.2); c.1789C>T, p.Arg597Ter (NM_001367824.1, NM_015318.4); short protein forms R701*, R597*, R943*.
Identifiers: ClinVar variation 1997749 (VCV001997749.5), dbSNP rs2512328575, ClinGen allele CA403083272.

ClinVar aggregate classification (germline): Pathogenic/Likely pathogenic. Review status: criteria provided, multiple submitters, no conflicts (2 of 4 stars). 2 submissions from 2 submitters: Pathogenic (1); Likely pathogenic (1). Last evaluated 2022-07-31.

Conditions:
ARHGEF18-related disorder. Also called: ARHGEF18-related condition.

Allele frequency attached by ClinVar (database versions not stated): gnomAD exomes 0.00001.
gnomAD v4.1: 10 of 1,613,922 alleles (0.00062%); highest among the groups gnomAD compares: Non-Finnish European, 0.00085%; no homozygotes.

Submissions (2):

Labcorp Genetics (formerly Invitae), Labcorp
Classification: Pathogenic. Last evaluated: 2022-07-31. Review status: criteria provided, single submitter. Criteria: Invitae Variant Classification Sherloc (09022015). Collection method: clinical testing. Allele origin: germline.
Comment: For these reasons, this variant has been classified as Pathogenic. This variant has not been reported in the literature in individuals affected with ARHGEF18-related conditions. This variant is not present in population databases (gnomAD no frequency). This sequence change creates a premature translational stop signal (p.Arg755*) in the ARHGEF18 gene. It is expected to result in an absent or disrupted protein product. Loss-of-function variants in ARHGEF18 are known to be pathogenic (PMID: 28132693).

Blueprint Genetics
Classification: Likely pathogenic for ARHGEF18-related disorders. Last evaluated: 2021-10-28. Review status: criteria provided, single submitter. Criteria: ACMG Guidelines, 2015. Collection method: clinical testing. Allele origin: germline. Affected: yes. Observed: 1 variant allele.

Literature cited by the submitters: PubMed 28132693 (cited by Labcorp Genetics (formerly Invitae), Labcorp).